The following is an entry in ClinVar:

NM_000059.4(BRCA2):c.3205T>G (p.Ser1069Ala)

Gene: BRCA2 (BRCA2 DNA repair associated; plus strand). Cytogenetic location: 13q13.1.
Variant type: single nucleotide variant.
Coding change: c.3205T>G on transcript NM_000059.4 (MANE Select); coding-DNA position 3205, T replaced by G.
Protein change: p.Ser1069Ala; replaces serine 1069 with alanine.
Molecular consequence: missense variant. On other transcripts: non-coding transcript variant (1), intron variant (2).
Genome position (GRCh38, 1-based): chr13:32,337,560, T>G. VCF-style: chr13-32337560-T-G. GRCh37 (hg19) VCF-style: chr13-32911697-T-G.
Other names: c.3205T>G, p.Ser1069Ala (NM_001406719.1, NM_001406720.1); c.1909+4173T>G (NM_001406721.1); c.424+6530T>G (NM_001406722.1); short protein forms S1069A.
Identifiers: ClinVar variation 2812766 (VCV002812766.3), dbSNP rs2137494303, ClinGen allele CA387775873.
Genomic context (GRCh38, chr13:32,337,560, plus strand): 5'-AATACCTTGGCATTAGATAATCAAAAGAAACTGAGCAAGCCTCAGTCAATTAATACTGTA[T>G]CTGCACATTTACAGAGTAGTGTAGTTGTTTCTGATTGTAAAAATAGTCATATAACCCCTC-3'
Protein context (NP_000050.3, residues 1059-1079): LSKPQSINTV[Ser1069Ala]AHLQSSVVVS

ClinVar aggregate classification (germline): Uncertain significance (1 of 4 stars; one submission).

Conditions:
Hereditary breast ovarian cancer syndrome. Also called: Hereditary breast and ovarian cancer; Hereditary breast and ovarian cancer syndrome; Breast and ovarian cancer; BRCA1- and BRCA2-Associated Hereditary Breast and Ovarian Cancer; Hereditary breast and ovarian cancer syndrome (HBOC); Hereditary breast and/or ovarian cancer syndrome. Identifiers: Orphanet 145, MedGen C0677776, MeSH D061325, MONDO:0003582. Disease mechanism: loss of function.

Submission:

Labcorp Genetics (formerly Invitae), Labcorp
Classification: Uncertain significance for Hereditary breast ovarian cancer syndrome. Last evaluated: 2022-11-08. Review status: criteria provided, single submitter. Criteria: Invitae Variant Classification Sherloc (09022015). Collection method: clinical testing. Allele origin: germline.
Comment: This sequence change replaces serine, which is neutral and polar, with alanine, which is neutral and non-polar, at codon 1069 of the BRCA2 protein (p.Ser1069Ala). This variant is not present in population databases (gnomAD no frequency). This variant has not been reported in the literature in individuals affected with BRCA2-related conditions. Advanced modeling of protein sequence and biophysical properties (such as structural, functional, and spatial information, amino acid conservation, physicochemical variation, residue mobility, and thermodynamic stability) performed at Invitae indicates that this missense variant is not expected to disrupt BRCA2 protein function. In summary, the available evidence is currently insufficient to determine the role of this variant in disease. Therefore, it has been classified as a Variant of Uncertain Significance.